The following is an entry in ClinVar:

ClinVar aggregate classification (germline): Uncertain significance (1 of 4 stars; one submission).

Allele frequency attached by ClinVar (database versions not stated): TOPMed 0.00001; ExAC 0.00002; gnomAD 0.00002; gnomAD exomes 0.00003 and 0.00007.

Submission:

Labcorp Genetics (formerly Invitae), Labcorp
Classification: Uncertain significance. Last evaluated: 2022-07-12. Review status: criteria provided, single submitter. Criteria: Invitae Variant Classification Sherloc (09022015). Collection method: clinical testing. Allele origin: germline.
Comment: In summary, the available evidence is currently insufficient to determine the role of this variant in disease. Therefore, it has been classified as a Variant of Uncertain Significance. Algorithms developed to predict the effect of missense changes on protein structure and function are either unavailable or do not agree on the potential impact of this missense change (SIFT: "Deleterious"; PolyPhen-2: "Not Available"; Align-GVGD: "Class C0"). ClinVar contains an entry for this variant (Variation ID: 836968). This variant has not been reported in the literature in individuals affected with PDZD7-related conditions. This variant is present in population databases (rs755060842, gnomAD 0.02%), including at least one homozygous and/or hemizygous individual. This sequence change replaces serine, which is neutral and polar, with asparagine, which is neutral and polar, at codon 495 of the PDZD7 protein (p.Ser495Asn).

NM_001195263.2(PDZD7):c.1484G>A (p.Ser495Asn)

Gene: PDZD7 (PDZ domain containing 7; minus strand). Cytogenetic location: 10q24.31.
Variant type: single nucleotide variant.
Coding change: c.1484G>A on transcript NM_001195263.2 (MANE Select); coding-DNA position 1484, G replaced by A.
Protein change: p.Ser495Asn; replaces serine 495 with asparagine.
Molecular consequence: missense variant. On other transcripts: synonymous variant (1).
Genome position (GRCh38, 1-based): chr10:101,018,137, C>T on the plus strand (G>A on the coding strand, the complement: PDZD7 is on the minus strand). VCF-style: chr10-101018137-C-T. GRCh37 (hg19) VCF-style: chr10-102777894-C-T.
Other names: c.1512G>A, p.Glu504= (NM_001351044.2); c.1484G>A, p.Ser495Asn (NM_024895.5); short protein forms S495N.
Identifiers: ClinVar variation 836968 (VCV000836968.9), dbSNP rs755060842, ClinGen allele CA5654082.
Genomic context (GRCh38, chr10:101,018,137, plus strand): 5'-GTTTGATCAGCCCACTACTTACCTTTCTCTATGTCCAGGCGAGGGTAAGTTTTGGCCAGG[C>T]TCCCGCTGTCCAGTGTCCAGGCCTCTCTGCGCCCGTCCCGCGCTAGCCTCCCCTGCCGCC-3'
Protein context (NP_001182192.1, residues 485-505): RREAWTLDSG[Ser495Asn]LAKTYPRLDI